The following is an entry in ClinVar:

ClinVar aggregate classification (germline): Uncertain significance. Review status: criteria provided, multiple submitters, no conflicts (2 of 4 stars). 3 submissions from 3 submitters: Uncertain significance (3). Last evaluated 2025-03-10.

Conditions:
Inborn genetic diseases. Identifiers: MedGen C0950123, MeSH D030342.
Acute myeloid leukemia (AML). Also called: Leukemia, acute myeloid, somatic; Leukemia, acute myelogenous, somatic; Acute myeloid leukemia, adult; AML adult; Acute non-lymphocytic leukemia; Acute granulocytic leukemia. Identifiers: Orphanet 519, MedGen C0023467, MeSH D015470, MONDO:0018874, OMIM 601626, HP:0004808. Disease mechanism: Constitutively activated FLT3.

Allele frequency attached by ClinVar (database versions not stated): TOPMed below 0.00001; gnomAD exomes 0.00001; ExAC 0.00002.

Submissions (3):

Ambry Genetics
Classification: Uncertain significance for Inborn genetic diseases. Last evaluated: 2025-03-10. Review status: criteria provided, single submitter. Criteria: Ambry Variant Classification Scheme 2023. Collection method: clinical testing. Allele origin: germline.
Comment: The p.G268V variant (also known as c.803G>T), located in coding exon 1 of the CEBPA gene, results from a G to T substitution at nucleotide position 803. The glycine at codon 268 is replaced by valine, an amino acid with dissimilar properties. This amino acid position is conserved. In addition, this alteration is predicted to be tolerated by in silico analysis. Based on the available evidence, the clinical significance of this variant remains unclear.

Labcorp Genetics (formerly Invitae), Labcorp
Classification: Uncertain significance for Acute myeloid leukemia. Last evaluated: 2024-11-27. Review status: criteria provided, single submitter. Criteria: Invitae Variant Classification Sherloc (09022015). Collection method: clinical testing. Allele origin: germline.
Comment: This sequence change replaces glycine, which is neutral and non-polar, with valine, which is neutral and non-polar, at codon 268 of the CEBPA protein (p.Gly268Val). This variant is present in population databases (rs780335632, gnomAD 0.002%). This variant has not been reported in the literature in individuals affected with CEBPA-related conditions. ClinVar contains an entry for this variant (Variation ID: 526807). Invitae Evidence Modeling of protein sequence and biophysical properties (such as structural, functional, and spatial information, amino acid conservation, physicochemical variation, residue mobility, and thermodynamic stability) indicates that this missense variant is not expected to disrupt CEBPA protein function with a negative predictive value of 80%. In summary, the available evidence is currently insufficient to determine the role of this variant in disease. Therefore, it has been classified as a Variant of Uncertain Significance.

Baylor Genetics
Classification: Uncertain significance for Acute myeloid leukemia. Last evaluated: 2023-12-14. Review status: criteria provided, single submitter. Criteria: ACMG Guidelines, 2015. Collection method: clinical testing. Allele origin: unknown.

NM_004364.5(CEBPA):c.803G>T (p.Gly268Val)

Gene: CEBPA (CCAAT enhancer binding protein alpha; minus strand). Cytogenetic location: 19q13.11.
Variant type: single nucleotide variant.
Coding change: c.803G>T on transcript NM_004364.5 (MANE Select); coding-DNA position 803, G replaced by T.
Protein change: p.Gly268Val; replaces glycine 268 with valine.
Molecular consequence: missense variant.
Genome position (GRCh38, 1-based): chr19:33,301,612, C>A on the plus strand (G>T on the coding strand, the complement: CEBPA is on the minus strand). VCF-style: chr19-33301612-C-A. GRCh37 (hg19) VCF-style: chr19-33792518-C-A.
Other names: c.803G>T (NM_004364.3); c.446G>T, p.Gly149Val (NM_001285829.2); c.908G>T, p.Gly303Val (NM_001287424.2); c.761G>T, p.Gly254Val (NM_001287435.2); short protein forms G268V, G303V, G149V, G254V.
Identifiers: ClinVar variation 526807 (VCV000526807.12), dbSNP rs780335632, ClinGen allele CA9363689.
Genomic context (GRCh38, chr19:33,301,612, plus strand): 5'-CGCACCCGGTACTCGTTGCTGTTCTTGTCCACCGACTTCTTGGCCTTGCCCGCGCCGCTG[C>A]CGCCACTCGCGCGGAGGTCGGGGTGCGCGGCGCCCAGCCCCTTGAGCGCGCTGCCAGGGC-3'
Protein context (NP_004355.2, residues 258-278): AAHPDLRASG[Gly268Val]SGAGKAKKSV